The following is an entry in ClinVar:

ClinVar aggregate classification (germline): Uncertain significance (1 of 4 stars; one submission).

Conditions:
Fabry disease. Also called: Fabry's disease; ALPHA-GALACTOSIDASE A DEFICIENCY; ANDERSON-FABRY DISEASE; CERAMIDE TRIHEXOSIDASE DEFICIENCY; GLA DEFICIENCY; HEREDITARY DYSTOPIC LIPIDOSIS. Identifiers: Orphanet 324, MedGen C0002986, MONDO:0010526, OMIM 301500, HP:0001071. Disease mechanism: Fabry disease is due to inactivating mutations in the X-linked GLA gene resulting in deficiency of the enzyme Alpha Galactosidase-A., loss of function.

Submission:

Color Diagnostics, LLC DBA Color Health
Classification: Uncertain significance for Fabry disease. Last evaluated: 2025-07-20. Review status: criteria provided, single submitter. Criteria: ACMG Guidelines, 2015. Collection method: clinical testing. Allele origin: germline.
Comment: This missense variant replaces histidine with glutamine at codon 302 of the GLA protein. Computational prediction suggests that this variant may not impact protein structure and function. To our knowledge, functional studies have not been reported for this variant. This variant has not been reported in individuals affected with GLA-related disorders in the literature. This variant has not been identified in the general population by the Genome Aggregation Database (gnomAD). The available evidence is insufficient to determine the role of this variant in disease conclusively. Therefore, this variant is classified as a Variant of Uncertain Significance.

NM_000169.3(GLA):c.906C>A (p.His302Gln)

Genes: GLA (galactosidase alpha; minus strand), RPL36A-HNRNPH2 (RPL36A-HNRNPH2 readthrough; plus strand). Cytogenetic location: Xq22.1.
Variant type: single nucleotide variant.
Coding change: c.906C>A on transcript NM_000169.3 (MANE Select); coding-DNA position 906, C replaced by A.
Protein change: p.His302Gln; replaces histidine 302 with glutamine.
Molecular consequence: missense variant. On other transcripts: non-coding transcript variant (3), intron variant (2).
Genome position (GRCh38, 1-based): chrX:101,398,463, G>T on the plus strand (C>A on the coding strand, the complement: GLA is on the minus strand). VCF-style: chrX-101398463-G-T. GRCh37 (hg19) VCF-style: chrX-100653451-G-T.
Other names: c.1029C>A, p.His343Gln (NM_001406747.1); c.906C>A, p.His302Gln (NM_001406748.1); c.300+3006G>T (NM_001199973.2); c.177+6641G>T (NM_001199974.2); short protein forms H302Q, H343Q.
Identifiers: ClinVar variation 4758965 (VCV004758965.1).